The following is an entry in ClinVar:

ClinVar aggregate classification (germline): Uncertain significance (1 of 4 stars; one submission).

Conditions:
Multiple endocrine neoplasia, type 1 (MEN1). Also called: MEN I; WERMER SYNDROME; Endocrine adenomatosis multiple; MEN 1; MEA I. Identifiers: Orphanet 652, MedGen C0025267, MeSH D018761, MONDO:0007540, OMIM 131100.

Submission:

Labcorp Genetics (formerly Invitae), Labcorp
Classification: Uncertain significance for Multiple endocrine neoplasia, type 1. Last evaluated: 2019-08-13. Review status: criteria provided, single submitter. Criteria: Invitae Variant Classification Sherloc (09022015). Collection method: clinical testing. Allele origin: germline.
Comment: This sequence change replaces lysine with glutamic acid at codon 8 of the MEN1 protein (p.Lys8Glu). The lysine residue is highly conserved and there is a small physicochemical difference between lysine and glutamic acid. This variant is not present in population databases (ExAC no frequency). This variant has not been reported in the literature in individuals with MEN1-related conditions. Algorithms developed to predict the effect of missense changes on protein structure and function are either unavailable or do not agree on the potential impact of this missense change (SIFT: "Deleterious"; PolyPhen-2: "Possibly Damaging"; Align-GVGD: "Class C0"). In summary, the available evidence is currently insufficient to determine the role of this variant in disease. Therefore, it has been classified as a Variant of Uncertain Significance.

NM_001370259.2(MEN1):c.22A>G (p.Lys8Glu)

Gene: MEN1 (menin 1; minus strand). Cytogenetic location: 11q13.1.
Variant type: single nucleotide variant.
Coding change: c.22A>G on transcript NM_001370259.2 (MANE Select); coding-DNA position 22, A replaced by G.
Protein change: p.Lys8Glu; replaces lysine 8 with glutamic acid.
Molecular consequence: missense variant.
Genome position (GRCh38, 1-based): chr11:64,810,088, T>C on the plus strand (A>G on the coding strand, the complement: MEN1 is on the minus strand). VCF-style: chr11-64810088-T-C. GRCh37 (hg19) VCF-style: chr11-64577560-T-C.
Other names: c.22A>G, p.Lys8Glu (NM_001370261.2, NM_001370262.2, NM_001370251.2 and 9 more transcripts); short protein forms K8E.
Identifiers: ClinVar variation 940690 (VCV000940690.9), dbSNP rs1942026565, ClinGen allele CA381188284.
Genomic context (GRCh38, chr11:64,810,088, plus strand): 5'-CCAGCTCGGCAGCAAACAGGCGCACCACGTCGTCGATGGAGCGCAGCGGGAACAGCGTCT[T>C]CTGGGCGGCCTTCAGCCCCATGGCGGCGGGCGGTGGGCGGCGGCCTGCAAGGCAAGCCGG-3'
Protein context (NP_001357188.2, residues 1-18): MGLKAAQ[Lys8Glu]TLFPLRSIDD